The following is an entry in ClinVar:

ClinVar aggregate classification (germline): Likely benign (1 of 4 stars; one submission).

Submission:

CeGaT Center for Human Genetics Tuebingen
Classification: Likely benign. Last evaluated: 2026-09-01. Review status: criteria provided, single submitter. Criteria: CeGaT Center For Human Genetics Tuebingen Variant Classification Criteria Version 2. Collection method: clinical testing. Allele origin: germline. Affected: yes. Observed: 2 variant alleles.
Comment: KRTAP10-6: BP4, BP7

NM_198688.3(KRTAP10-6):c.258G>A (p.Thr86=)

Genes: KRTAP10-6 (keratin associated protein 10-6; minus strand), TSPEAR (thrombospondin type laminin G domain and EAR repeats; minus strand). Cytogenetic location: 21q22.3.
Variant type: single nucleotide variant.
Coding change: c.258G>A on transcript NM_198688.3 (MANE Select); coding-DNA position 258, G replaced by A.
Protein change: p.Thr86=; no amino-acid change (threonine 86 retained).
Molecular consequence: synonymous variant. On other transcripts: intron variant (2).
Genome position (GRCh38, 1-based): chr21:44,592,227, C>T on the plus strand (G>A on the coding strand, the complement: KRTAP10-6 is on the minus strand). VCF-style: chr21-44592227-C-T. GRCh37 (hg19) VCF-style: chr21-46012108-C-T.
Other names: c.83-24222G>A (NM_144991.3); c.-122-24222G>A (NM_001272037.2).
Identifiers: ClinVar variation 4084398 (VCV004084398.8).